The following is an entry in ClinVar:

ClinVar aggregate classification (germline): Uncertain significance (0 of 4 stars; one submission).

Conditions:
Autism (AUTS). Also called: Autistic disorder of childhood onset; Autistic disorder. Identifiers: MedGen C0004352, MeSH D001321, MONDO:0005260, OMIM 209850, HP:0000717.

Submission:

Centre for Addiction & Mental Health
Classification: Uncertain significance for Autism. Review status: no assertion criteria provided. Collection method: research. Allele origin: biparental. Affected: yes. Observed: 1 homozygote. Segregation with disease observed.
Comment: Gene not previously associated with disease; independent supporting evidence needed

NM_078483.4(SLC36A1):c.487_490dup (p.Asp164delinsGlyTer)

Gene: SLC36A1 (solute carrier family 36 member 1; plus strand). Cytogenetic location: 5q33.1.
Variant type: Duplication.
Coding change: c.487_490dup on transcript NM_078483.4 (MANE Select); coding-DNA positions 487 to 490, 4 bases duplicated (GCTG; older notation c.487_490dupGCTG).
Protein change: p.Asp164delinsGlyTer.
Molecular consequence: nonsense.
Genome position (GRCh38, 1-based): chr5:151,467,266-151,467,269, GCTG duplicated; duplicating any 4 consecutive bases within chr5:151,467,263-151,467,269 gives the same sequence; the c. name uses the placement nearest the transcript's 3' end. VCF-style (leftmost placement, unchanged base first): chr5-151467262-T-TCTGG. GRCh37 (hg19) VCF-style: chr5-150846823-T-TCTGG.
Other names: c.487_490dup, p.Asp164delinsGlyTer (NM_001308150.2, NM_001308151.2); c.403_406dup, p.Asp136delinsGlyTer (NM_001349740.2).
Identifiers: ClinVar variation 3338220 (VCV003338220.2).